The following is an entry in ClinVar:

NM_001130413.4(SCNN1D):c.525C>A (p.Pro175=)

Gene: SCNN1D (sodium channel epithelial 1 subunit delta; plus strand). Cytogenetic location: 1p36.33.
Variant type: single nucleotide variant.
Coding change: c.525C>A on transcript NM_001130413.4 (MANE Select); coding-DNA position 525, C replaced by A.
Protein change: p.Pro175=; no amino-acid change (proline 175 retained).
Molecular consequence: synonymous variant.
Genome position (GRCh38, 1-based): chr1:1,285,631, C>A. VCF-style: chr1-1285631-C-A. GRCh37 (hg19) VCF-style: chr1-1221011-C-A.
Identifiers: ClinVar variation 2672317 (VCV002672317.23), dbSNP rs780589894, ClinGen allele CA514295.

ClinVar aggregate classification (germline): Likely benign (1 of 4 stars; one submission).

Allele frequency attached by ClinVar (database versions not stated): ExAC 0.00006; TOPMed 0.00009; gnomAD 0.00015; gnomAD exomes 0.00021.
gnomAD v4.1: 317 of 1,547,490 alleles (0.02%); highest among the groups gnomAD compares: Non-Finnish European, 0.016%; 1 homozygote.

Submission:

CeGaT Center for Human Genetics Tuebingen
Classification: Likely benign. Last evaluated: 2023-11-01. Review status: criteria provided, single submitter. Criteria: CeGaT Center For Human Genetics Tuebingen Variant Classification Criteria Version 2. Collection method: clinical testing. Allele origin: germline. Affected: yes. Observed: 1 variant allele.
Comment: SCNN1D: BP4, BP7